The following is an entry in ClinVar:

NM_015338.6(ASXL1):c.2660C>T (p.Thr887Ile)

Gene: ASXL1 (ASXL transcriptional regulator 1; plus strand). Cytogenetic location: 20q11.21.
Variant type: single nucleotide variant.
Coding change: c.2660C>T on transcript NM_015338.6 (MANE Select); coding-DNA position 2660, C replaced by T.
Protein change: p.Thr887Ile; replaces threonine 887 with isoleucine.
Molecular consequence: missense variant.
Genome position (GRCh38, 1-based): chr20:32,435,372, C>T. VCF-style: chr20-32435372-C-T. GRCh37 (hg19) VCF-style: chr20-31023175-C-T.
Other names: c.2477C>T, p.Thr826Ile (NM_001363734.1); c.2660C>T (NM_015338.5); short protein forms T826I, T887I.
Identifiers: ClinVar variation 1494059 (VCV001494059.7), dbSNP rs2145371007, ClinGen allele CA408560774.
Genomic context (GRCh38, chr20:32,435,372, plus strand): 5'-GGCTTGGTGGCTCATGCCCTCCTATGAGGGAAAGTGATACTAGACAAGAAAACTTGAAAA[C>T]CAAGGCTCTCGTTTCTAACAGTTCTTTGCATTGGATACCCATCCCATCGAATGATGAGGT-3'
Protein context (NP_056153.2, residues 877-897): ESDTRQENLK[Thr887Ile]KALVSNSSLH

ClinVar aggregate classification (germline): Uncertain significance. Review status: criteria provided, multiple submitters, no conflicts (2 of 4 stars). 2 submissions from 2 submitters: Uncertain significance (2). Last evaluated 2026-07-05.

Conditions:
Inborn genetic diseases. Identifiers: MedGen C0950123, MeSH D030342.

Submissions (2):

Ambry Genetics
Classification: Uncertain significance for Inborn genetic diseases. Last evaluated: 2026-07-05. Review status: criteria provided, single submitter. Criteria: Ambry Variant Classification Scheme 2023. Collection method: clinical testing. Allele origin: germline.
Comment: The p.T887I variant (also known as c.2660C>T), located in coding exon 13 of the ASXL1 gene, results from a C to T substitution at nucleotide position 2660. The threonine at codon 887 is replaced by isoleucine, an amino acid with similar properties. This amino acid position is conserved. In addition, this alteration is predicted to be tolerated by in silico analysis. Based on the available evidence, the clinical significance of this variant remains unclear.

Labcorp Genetics (formerly Invitae), Labcorp
Classification: Uncertain significance. Last evaluated: 2022-01-13. Review status: criteria provided, single submitter. Criteria: Invitae Variant Classification Sherloc (09022015). Collection method: clinical testing. Allele origin: germline.
Comment: Algorithms developed to predict the effect of missense changes on protein structure and function are either unavailable or do not agree on the potential impact of this missense change (SIFT: "Deleterious"; PolyPhen-2: "Possibly Damaging"; Align-GVGD: "Class C0"). In summary, the available evidence is currently insufficient to determine the role of this variant in disease. Therefore, it has been classified as a Variant of Uncertain Significance. This variant has not been reported in the literature in individuals affected with ASXL1-related conditions. This variant is not present in population databases (gnomAD no frequency). This sequence change replaces threonine, which is neutral and polar, with isoleucine, which is neutral and non-polar, at codon 887 of the ASXL1 protein (p.Thr887Ile).